The following is an entry in ClinVar:

ClinVar aggregate classification (germline): Uncertain significance (1 of 4 stars; one submission).

Allele frequency attached by ClinVar (database versions not stated): gnomAD exomes below 0.00001.
gnomAD v4.1: 4 of 1,613,986 alleles (0.00025%); highest among the groups gnomAD compares: South Asian, 0.0033%; no homozygotes.

Submission:

Ambry Genetics
Classification: Uncertain significance. Last evaluated: 2022-12-17. Review status: criteria provided, single submitter. Criteria: Ambry Variant Classification Scheme 2023. Collection method: clinical testing. Allele origin: germline.
Comment: The p.A239G variant (also known as c.716C>G), located in coding exon 5 of the BUB3 gene, results from a C to G substitution at nucleotide position 716. The alanine at codon 239 is replaced by glycine, an amino acid with similar properties. This amino acid position is conserved. In addition, the in silico prediction for this alteration is inconclusive. Since supporting evidence is limited at this time, the clinical significance of this alteration remains unclear.

NM_004725.4(BUB3):c.716C>G (p.Ala239Gly)

Gene: BUB3 (BUB3 mitotic checkpoint protein; plus strand). Cytogenetic location: 10q26.13.
Variant type: single nucleotide variant.
Coding change: c.716C>G on transcript NM_004725.4 (MANE Select); coding-DNA position 716, C replaced by G.
Protein change: p.Ala239Gly; replaces alanine 239 with glycine.
Molecular consequence: missense variant.
Genome position (GRCh38, 1-based): chr10:123,162,375, C>G. VCF-style: chr10-123162375-C-G. GRCh37 (hg19) VCF-style: chr10-124921891-C-G.
Other names: c.716C>G, p.Ala239Gly (NM_001007793.3); short protein forms A239G.
Identifiers: ClinVar variation 2448136 (VCV002448136.2), dbSNP rs2493766179, ClinGen allele CA378626741.